The following is an entry in ClinVar:

NM_032608.7(MYO18B):c.3773C>T (p.Thr1258Ile)

Gene: MYO18B (myosin XVIIIB; plus strand). Cytogenetic location: 22q12.1.
Variant type: single nucleotide variant.
Coding change: c.3773C>T on transcript NM_032608.7 (MANE Select); coding-DNA position 3773, C replaced by T.
Protein change: p.Thr1258Ile; replaces threonine 1258 with isoleucine.
Molecular consequence: missense variant.
Genome position (GRCh38, 1-based): chr22:25,847,650, C>T. VCF-style: chr22-25847650-C-T. GRCh37 (hg19) VCF-style: chr22-26243617-C-T.
Other names: c.3776C>T, p.Thr1259Ile (NM_001318245.2); short protein forms T1258I, T1259I.
Identifiers: ClinVar variation 1436069 (VCV001436069.6), dbSNP rs2090295320, ClinGen allele CA411000960.

ClinVar aggregate classification (germline): Uncertain significance (1 of 4 stars; one submission).

Allele frequency attached by ClinVar (database versions not stated): gnomAD exomes below 0.00001; gnomAD 0.00001; TOPMed 0.00001.
gnomAD v4.1: 3 of 1,554,112 alleles (0.00019%); highest among the groups gnomAD compares: Non-Finnish European, 0.00017%; no homozygotes.

Submission:

Labcorp Genetics (formerly Invitae), Labcorp
Classification: Uncertain significance. Last evaluated: 2024-06-29. Review status: criteria provided, single submitter. Criteria: Invitae Variant Classification Sherloc (09022015). Collection method: clinical testing. Allele origin: germline.
Comment: This sequence change replaces threonine, which is neutral and polar, with isoleucine, which is neutral and non-polar, at codon 1258 of the MYO18B protein (p.Thr1258Ile). This variant is not present in population databases (gnomAD no frequency). This variant has not been reported in the literature in individuals affected with MYO18B-related conditions. ClinVar contains an entry for this variant (Variation ID: 1436069). Algorithms developed to predict the effect of missense changes on protein structure and function output the following: SIFT: "Not Available"; PolyPhen-2: "Benign"; Align-GVGD: "Not Available". The isoleucine amino acid residue is found in multiple mammalian species, which suggests that this missense change does not adversely affect protein function. In summary, the available evidence is currently insufficient to determine the role of this variant in disease. Therefore, it has been classified as a Variant of Uncertain Significance.